The following is an entry in ClinVar:

NM_004064.5(CDKN1B):c.215G>A (p.Gly72Asp)

Gene: CDKN1B (cyclin dependent kinase inhibitor 1B; plus strand). Cytogenetic location: 12p13.1.
Variant type: single nucleotide variant.
Coding change: c.215G>A on transcript NM_004064.5 (MANE Select); coding-DNA position 215, G replaced by A.
Protein change: p.Gly72Asp; replaces glycine 72 with aspartic acid.
Molecular consequence: missense variant.
Genome position (GRCh38, 1-based): chr12:12,718,054, G>A. VCF-style: chr12-12718054-G-A. GRCh37 (hg19) VCF-style: chr12-12870988-G-A.
Other names: short protein forms G72D.
Identifiers: ClinVar variation 820737 (VCV000820737.12), dbSNP rs1280938448, ClinGen allele CA383969548.
Genomic context (GRCh38, chr12:12,718,054, plus strand): 5'-TGGAAGAGGCGAGCCAGCGCAAGTGGAATTTCGATTTTCAGAATCACAAACCCCTAGAGG[G>A]CAAGTACGAGTGGCAAGAGGTGGAGAAGGGCAGCTTGCCCGAGTTCTACTACAGACCCCC-3'
Protein context (NP_004055.1, residues 62-82): FDFQNHKPLE[Gly72Asp]KYEWQEVEKG

ClinVar aggregate classification (germline): Uncertain significance. Review status: criteria provided, multiple submitters, no conflicts (2 of 4 stars). 2 submissions from 2 submitters: Uncertain significance (2). Last evaluated 2023-05-22.

Conditions:
Hereditary cancer-predisposing syndrome. Also called: Hereditary Cancer Syndrome; Neoplastic Syndromes, Hereditary; Hereditary neoplastic syndrome; Tumor predisposition. Identifiers: Orphanet 140162, MedGen C0027672, MeSH D009386, MONDO:0015356.
Multiple endocrine neoplasia type 4. Also called: MULTIPLE ENDOCRINE NEOPLASIA, TYPE IV. Identifiers: Orphanet 276152, MedGen C1970712, MONDO:0012552, OMIM 610755.

Allele frequency attached by ClinVar (database versions not stated): gnomAD exomes below 0.00001.
gnomAD v4.1: 2 of 1,614,252 alleles (0.00012%); highest among the groups gnomAD compares: Admixed American, 0.0017%; no homozygotes.

Submissions (2):

Labcorp Genetics (formerly Invitae), Labcorp
Classification: Uncertain significance for Multiple endocrine neoplasia type 4. Last evaluated: 2023-05-22. Review status: criteria provided, single submitter. Criteria: Invitae Variant Classification Sherloc (09022015). Collection method: clinical testing. Allele origin: germline.
Comment: This sequence change replaces glycine, which is neutral and non-polar, with aspartic acid, which is acidic and polar, at codon 72 of the CDKN1B protein (p.Gly72Asp). This variant is present in population databases (no rsID available, gnomAD 0.003%). This variant has not been reported in the literature in individuals affected with CDKN1B-related conditions. ClinVar contains an entry for this variant (Variation ID: 820737). An algorithm developed to predict the effect of missense changes on protein structure and function (PolyPhen-2) suggests that this variant is likely to be disruptive. In summary, the available evidence is currently insufficient to determine the role of this variant in disease. Therefore, it has been classified as a Variant of Uncertain Significance.

Ambry Genetics
Classification: Uncertain significance for Hereditary cancer-predisposing syndrome. Last evaluated: 2018-11-13. Review status: criteria provided, single submitter. Criteria: Ambry Variant Classification Scheme 2023. Collection method: clinical testing. Allele origin: germline.
Comment: The p.G72D variant (also known as c.215G>A), located in coding exon 1 of the CDKN1B gene, results from a G to A substitution at nucleotide position 215. The glycine at codon 72 is replaced by aspartic acid, an amino acid with similar properties. This amino acid position is highly conserved in available vertebrate species. In addition, this alteration is predicted to be deleterious by in silico analysis. Since supporting evidence is limited at this time, the clinical significance of this alteration remains unclear.